The following is an entry in ClinVar:

ClinVar aggregate classification (germline): Likely benign. Review status: criteria provided, single submitter (1 of 4 stars). 2 submissions from 2 submitters: Likely benign (1). 1 of the submissions does not count toward it. Last evaluated 2025-12-17.

Conditions:
UNC45A-related disorder. Also called: UNC45A-related condition.

Allele frequency attached by ClinVar (database versions not stated): ExAC 0.00005; gnomAD exomes 0.00012; 1000 Genomes Project 30x 0.00016; 1000 Genomes Project 0.00020.
gnomAD v4.1: 205 of 1,614,094 alleles (0.013%); highest among the groups gnomAD compares: Non-Finnish European, 0.014%; no homozygotes.

Submissions (2):

Labcorp Genetics (formerly Invitae), Labcorp
Classification: Likely benign. Last evaluated: 2025-12-17. Review status: criteria provided, single submitter. Criteria: Invitae Variant Classification Sherloc (09022015). Collection method: clinical testing. Allele origin: germline.

PreventionGenetics, part of Exact Sciences
Classification: Likely benign for UNC45A-related condition. Last evaluated: 2019-03-14. Review status: no assertion criteria provided. Collection method: clinical testing. Allele origin: germline. Not counted in ClinVar's aggregate classification.
Comment: This variant is classified as likely benign based on ACMG/AMP sequence variant interpretation guidelines (Richards et al. 2015 PMID: 25741868, with internal and published modifications).

NM_018671.5(UNC45A):c.2211C>T (p.Leu737=)

Gene: UNC45A (unc-45 myosin chaperone A; plus strand). Cytogenetic location: 15q26.1.
Variant type: single nucleotide variant.
Coding change: c.2211C>T on transcript NM_018671.5 (MANE Select); coding-DNA position 2211, C replaced by T.
Protein change: p.Leu737=; no amino-acid change (leucine 737 retained).
Molecular consequence: synonymous variant.
Genome position (GRCh38, 1-based): chr15:90,950,523, C>T. VCF-style: chr15-90950523-C-T. GRCh37 (hg19) VCF-style: chr15-91493753-C-T.
Other names: c.2166C>T, p.Leu722= (NM_001039675.2, NM_001323621.2); c.2211C>T, p.Leu737= (NM_001323619.1); c.1776C>T, p.Leu592= (NM_001323620.2).
Identifiers: ClinVar variation 2061228 (VCV002061228.6), dbSNP rs548551634, ClinGen allele CA7743217.